The following is an entry in ClinVar:

ClinVar aggregate classification (germline): Benign/Likely benign. Review status: criteria provided, multiple submitters, no conflicts (2 of 4 stars). 3 submissions from 3 submitters: Benign (1); Likely benign (2). Last evaluated 2026-06-16.

Conditions:
Polyps, multiple and recurrent inflammatory fibroid, gastrointestinal. Identifiers: MedGen C5193005, MONDO:0008285, OMIM 175510.
Hereditary cancer-predisposing syndrome. Also called: Neoplastic Syndromes, Hereditary; Hereditary Cancer Syndrome; Hereditary neoplastic syndrome; Tumor predisposition. Identifiers: Orphanet 140162, MedGen C0027672, MeSH D009386, MONDO:0015356.
Gastrointestinal stromal tumor. Also called: Gastrointestinal stromal tumor, somatic; Gastrointestinal stroma tumor. Identifiers: Orphanet 44890, MedGen C0238198, MeSH D046152, MONDO:0011719, OMIM 606764, HP:0100723.

Allele frequency attached by ClinVar (database versions not stated): gnomAD exomes below 0.00001; TOPMed below 0.00001.
gnomAD v4.1: 2 of 1,613,438 alleles (0.00012%); highest among the groups gnomAD compares: Admixed American, 0.0033%; no homozygotes.

Submissions (3):

Myriad Genetics, Inc.
Classification: Benign for Polyps, multiple and recurrent inflammatory fibroid, gastrointestinal. Last evaluated: 2026-06-16. Review status: criteria provided, single submitter. Criteria: Myriad Autosomal Dominant, Autosomal Recessive and X-Linked Classification Criteria (2023). Collection method: clinical testing. Allele origin: unknown.
Comment: This variant is considered benign. This variant is a silent/synonymous amino acid change and it is not expected to impact splicing.

Labcorp Genetics (formerly Invitae), Labcorp
Classification: Likely benign for Gastrointestinal stromal tumor. Last evaluated: 2026-01-25. Review status: criteria provided, single submitter. Criteria: Invitae Variant Classification Sherloc (09022015). Collection method: clinical testing. Allele origin: germline.

Ambry Genetics
Classification: Likely benign for Hereditary cancer-predisposing syndrome. Last evaluated: 2022-05-11. Review status: criteria provided, single submitter. Criteria: Ambry Variant Classification Scheme 2023. Collection method: clinical testing. Allele origin: germline.

NM_006206.6(PDGFRA):c.354C>T (p.Tyr118=)

Gene: PDGFRA (platelet derived growth factor receptor alpha; plus strand). Cytogenetic location: 4q12.
Variant type: single nucleotide variant.
Coding change: c.354C>T on transcript NM_006206.6 (MANE Select); coding-DNA position 354, C replaced by T.
Protein change: p.Tyr118=; no amino-acid change (tyrosine 118 retained).
Molecular consequence: synonymous variant.
Genome position (GRCh38, 1-based): chr4:54,261,399, C>T. VCF-style: chr4-54261399-C-T. GRCh37 (hg19) VCF-style: chr4-55127566-C-T.
Other names: c.354C>T, p.Tyr118= (NM_001347827.2, NM_001347829.2); c.429C>T, p.Tyr143= (NM_001347828.2); c.393C>T, p.Tyr131= (NM_001347830.2).
Identifiers: ClinVar variation 771652 (VCV000771652.14), dbSNP rs1411135799, ClinGen allele CA439285481.
Genomic context (GRCh38, chr4:54,261,399, plus strand): 5'-CACTTGCTATTACAACCACACTCAGACAGAAGAGAATGAGCTTGAAGGCAGGCACATTTA[C>T]ATCTATGTGCCAGGTGAGTTGGCTGGGTCTCCAGGACCAAGCTTCTTCTCTTCCTGTCTC-3'
Protein context (NP_006197.1, residues 108-128): EENELEGRHI[Tyr118=]IYVPDPDVAF